The following is an entry in ClinVar:

ClinVar aggregate classification (germline): Pathogenic. Review status: criteria provided, multiple submitters, no conflicts (2 of 4 stars). 2 submissions from 2 submitters: Pathogenic (2). Last evaluated 2026-05-05.

Conditions:
Cardiovascular phenotype. Identifiers: MedGen CN230736.
Catecholaminergic polymorphic ventricular tachycardia 1. Also called: VENTRICULAR TACHYCARDIA, CATECHOLAMINERGIC POLYMORPHIC, 1, WITH OR WITHOUT ATRIAL DYSFUNCTION AND/OR DILATED CARDIOMYOPATHY; VENTRICULAR TACHYCARDIA, STRESS-INDUCED POLYMORPHIC 1; RYR2-Related Catecholaminergic Polymorphic Ventricular Tachycardia. Identifiers: Orphanet 3286, MedGen C1631597, MONDO:0011484, OMIM 604772.

Submissions (2):

Ambry Genetics
Classification: Pathogenic for Cardiovascular phenotype. Last evaluated: 2026-05-05. Review status: criteria provided, single submitter. Criteria: Ambry Variant Classification Scheme 2023. Collection method: clinical testing. Allele origin: germline.
Comment: The c.439_440delAA pathogenic mutation, located in coding exon 5 of the TRDN gene, results from a deletion of two nucleotides at nucleotide positions 439 to 440, causing a translational frameshift with a predicted alternate stop codon (p.K147Dfs*2). This variant is considered to be rare based on population cohorts in the Genome Aggregation Database (gnomAD). This variant is expected to result in loss of function by premature protein truncation or nonsense-mediated mRNA decay. As such, this alteration is interpreted as a disease-causing mutation.

Labcorp Genetics (formerly Invitae), Labcorp
Classification: Pathogenic for Catecholaminergic polymorphic ventricular tachycardia 1. Last evaluated: 2025-02-26. Review status: criteria provided, single submitter. Criteria: Invitae Variant Classification Sherloc (09022015). Collection method: clinical testing. Allele origin: germline.
Comment: This sequence change creates a premature translational stop signal (p.Lys147Aspfs*2) in the TRDN gene. It is expected to result in an absent or disrupted protein product. Loss-of-function variants in TRDN are known to be pathogenic (PMID: 22422768, 25922419, 26200674, 30649896). This variant is not present in population databases (gnomAD no frequency). This variant has not been reported in the literature in individuals affected with TRDN-related conditions. ClinVar contains an entry for this variant (Variation ID: 1403180). For these reasons, this variant has been classified as Pathogenic.

Literature cited by the submitters: PubMed 22422768 (cited by Labcorp Genetics (formerly Invitae), Labcorp); PubMed 25922419 (cited by Labcorp Genetics (formerly Invitae), Labcorp); PubMed 26200674 (cited by Labcorp Genetics (formerly Invitae), Labcorp); PubMed 30649896 (cited by Labcorp Genetics (formerly Invitae), Labcorp).

NM_006073.4(TRDN):c.439_440del (p.Lys147fs)

Gene: TRDN (triadin; minus strand). Cytogenetic location: 6q22.31.
Variant type: Deletion.
Coding change: c.439_440del on transcript NM_006073.4 (MANE Select); coding-DNA positions 439 to 440, 2 bases deleted (AA; older notation c.439_440delAA).
Protein change: p.Lys147fs; shifts the reading frame from lysine 147.
Molecular consequence: frameshift variant.
Genome position (GRCh38, 1-based): chr6:123,530,550-123,530,551, TT deleted on the plus strand (AA on the coding strand, the reverse complement: TRDN is on the minus strand). VCF-style (leftmost placement, unchanged base first): chr6-123530549-CTT-C. GRCh37 (hg19) VCF-style: chr6-123851694-CTT-C.
Other names: c.439_440del, p.Lys147fs (NM_001251987.2, NM_001256020.2, NM_001256021.2 and 1 more transcripts); c.439_440delAA (NM_006073.2); short protein forms K147fs.
Identifiers: ClinVar variation 1403180 (VCV001403180.8), dbSNP rs2114339116, ClinGen allele CA1139769797.